The following is an entry in ClinVar:

ClinVar aggregate classification (germline): Conflicting classifications of pathogenicity. Review status: criteria provided, conflicting classifications (1 of 4 stars). 2 submissions from 2 submitters: Uncertain significance (1); Likely benign (1). Last evaluated 2024-09-20.

Conditions:
Knobloch syndrome 1 (KNO1). Identifiers: MedGen C4551775, MONDO:0800167, OMIM 267750.

Allele frequency attached by ClinVar (database versions not stated): gnomAD 0.00004 and 0.00005; TOPMed 0.00006; 1000 Genomes Project 30x 0.00016; 1000 Genomes Project 0.00020; ExAC 0.00035.
gnomAD v4.1: 82 of 1,482,720 alleles (0.0055%); highest among the groups gnomAD compares: South Asian, 0.035%; no homozygotes.

Submissions (2):

3billion
Classification: Likely benign for Knobloch syndrome 1. Last evaluated: 2024-09-20. Review status: criteria provided, single submitter. Criteria: ACMG Guidelines, 2015. Collection method: clinical testing. Allele origin: germline. Affected: no.
Comment: The homozygous variant was found in patients diagnosed with another variant in a different gene, with no symptoms related to the gene containing the homozygous variant.

Labcorp Genetics (formerly Invitae), Labcorp
Classification: Uncertain significance. Last evaluated: 2022-10-26. Review status: criteria provided, single submitter. Criteria: Invitae Variant Classification Sherloc (09022015). Collection method: clinical testing. Allele origin: germline.
Comment: This sequence change affects codon 407 of the COL18A1 mRNA. It is a 'silent' change, meaning that it does not change the encoded amino acid sequence of the COL18A1 protein. This variant also falls at the last nucleotide of exon 8, which is part of the consensus splice site for this exon. This variant is present in population databases (rs368902481, gnomAD 0.05%). This variant has not been reported in the literature in individuals affected with COL18A1-related conditions. ClinVar contains an entry for this variant (Variation ID: 1046232). Variants that disrupt the consensus splice site are a relatively common cause of aberrant splicing (PMID: 17576681, 9536098). Algorithms developed to predict the effect of sequence changes on RNA splicing suggest that this variant may disrupt the consensus splice site. In summary, the available evidence is currently insufficient to determine the role of this variant in disease. Therefore, it has been classified as a Variant of Uncertain Significance.

Literature cited by the submitters: PubMed 17576681 (cited by Labcorp Genetics (formerly Invitae), Labcorp); PubMed 9536098 (cited by Labcorp Genetics (formerly Invitae), Labcorp).

NM_001379500.1(COL18A1):c.1221G>A (p.Pro407=)

Gene: COL18A1 (collagen type XVIII alpha 1 chain; plus strand). Cytogenetic location: 21q22.3.
Variant type: single nucleotide variant.
Coding change: c.1221G>A on transcript NM_001379500.1 (MANE Select); coding-DNA position 1221, G replaced by A.
Protein change: p.Pro407=; no amino-acid change (proline 407 retained).
Molecular consequence: synonymous variant.
Genome position (GRCh38, 1-based): chr21:45,477,965, G>A. VCF-style: chr21-45477965-G-A. GRCh37 (hg19) VCF-style: chr21-46897879-G-A.
Other names: c.1761G>A, p.Pro587= (NM_030582.4); c.2466G>A, p.Pro822= (NM_130444.3).
Identifiers: ClinVar variation 1046232 (VCV001046232.5), dbSNP rs368902481, ClinGen allele CA10066106.
Genomic context (GRCh38, chr21:45,477,965, plus strand): 5'-ACCACAAGGACCCCCAGGGCCTCCGGGGAGGGACGGCACCCCTGGAAGGGACGGCGAGCC[G>A]GTGAGTCCTCACGTCCCCCCGAGTCCGGCCCGGTCTGGAGGGTGGGGGCTTGGGTAGGAG-3'
Protein context (NP_001366429.1, residues 397-417): RDGTPGRDGE[Pro407=]GDPGEDGKPG